The following is an entry in ClinVar:

NM_001267550.2(TTN):c.9395del (p.Gly3132fs)

Gene: TTN (titin; minus strand). Cytogenetic location: 2q31.2.
Variant type: Deletion.
Coding change: c.9395del on transcript NM_001267550.2 (MANE Select); coding-DNA position 9395, one base deleted (G; older notation c.9395delG).
Protein change: p.Gly3132fs; shifts the reading frame from glycine 3132.
Molecular consequence: frameshift variant.
Genome position (GRCh38, 1-based): chr2:178,767,835, C deleted on the plus strand (G on the coding strand, the reverse complement: TTN is on the minus strand); the first of 2 consecutive C bases (chr2:178,767,835-178,767,836); deleting either gives the same sequence. VCF-style (leftmost placement, unchanged base first): chr2-178767834-TC-T. GRCh37 (hg19) VCF-style: chr2-179632561-TC-T.
Other names: c.9395del, p.Gly3132fs (NM_001256850.1, NM_133378.4, NM_133379.5); c.9257del, p.Gly3086fs (NM_003319.4, NM_133432.3, NM_133437.4); c.9257delG (NM_003319.4); short protein forms G3086fs, G3132fs.
Identifiers: ClinVar variation 1766348 (VCV001766348.2), dbSNP rs2532340410, ClinGen allele CA2580065162.

ClinVar aggregate classification (germline): Likely pathogenic (1 of 4 stars; one submission).

Conditions:
Cardiovascular phenotype. Identifiers: MedGen CN230736.

Submission:

Ambry Genetics
Classification: Likely pathogenic for Cardiovascular phenotype. Last evaluated: 2023-10-12. Review status: criteria provided, single submitter. Criteria: Ambry Variant Classification Scheme 2023. Collection method: clinical testing. Allele origin: germline.
Comment: The c.9257delG variant, located in coding exon 38 of the TTN gene, results from a deletion of one nucleotide at nucleotide position 9257, causing a translational frameshift with a predicted alternate stop codon (p.G3086Efs*11). This exon is located in the I-band region of the N2-B isoform of the titin protein and is constitutively expressed in TTN transcripts (percent spliced in or PSI 100%). This variant is considered to be rare based on population cohorts in the Genome Aggregation Database (gnomAD). This alteration is expected to result in loss of function by premature protein truncation or nonsense-mediated mRNA decay. While truncating variants in TTN are present in 1-3% of the general population, truncating variants in the A-band are the most common cause of dilated cardiomyopathy (DCM) (Herman DS et al. N. Engl. J. Med., 2012 Feb;366:619-28; Roberts AM et al. Sci Transl Med, 2015 Jan;7:270ra6). TTN truncating variants encoded in constitutive exons (PSI >90%) have been found to be significantly associated with DCM regardless of their position in titin (Schafer S et al. Nat. Genet., 2017 01;49:46-53). As such, this alteration is classified as likely pathogenic.